The following is an entry in ClinVar:

NM_000059.4(BRCA2):c.6475_6476insTTTTTTTTTTTTTTTTTTTTNNNNNNNNNNACCTTGTGATCCGCCCGCCTCGGCCTCCCAAAGTGCTGGGATTACAGGCGTGAGCCACCGCGCCCGGCCGTCTCTCTCAATTTC (p.Gln2159delinsLeuPhePhePhePhePhePheXaaXaaXaaXaaLeuValIleArgProProArgProProLysValLeuGlyLeuGlnAlaTer)

Gene: BRCA2 (BRCA2 DNA repair associated; plus strand). Cytogenetic location: 13q13.1.
Variant type: Microsatellite.
Coding change: c.6475_6476insTTTTTTTTTTTTTTTTTTTTNNNNNNNNNNACCTTGTGATCCGCCCGCCTCGGCCTCCCAAAGTGCTGGGATTACAGGCGTGAGCCACCGCGCCCGGCCGTCTCTCTCAATTTC on transcript NM_000059.4 (MANE Select); coding-DNA positions 6475 to 6476, TTTTTTTTTTTTTTTTTTTTNNNNNNNNNNACCTTGTGATCCGCCCGCCTCGGCCTCCCAAAGTGCTGGGATTACAGGCGTGAGCCACCGCGCCCGGCCGTCTCTCTCAATTTC inserted.
Protein change: p.Gln2159delinsLeuPhePhePhePhePhePheXaaXaaXaaXaaLeuValIleArgProProArgProProLysValLeuGlyLeuGlnAlaTer.
Molecular consequence: nonsense.
Genome position: GRCh38: chr13:32,340,817-32,340,830. GRCh37 (hg19): chr13:32,914,954-32,914,967.
Identifiers: ClinVar variation 1453990 (VCV001453990.7).

ClinVar aggregate classification (germline): Pathogenic (1 of 4 stars; one submission).

Conditions:
Hereditary breast ovarian cancer syndrome. Also called: Hereditary breast and ovarian cancer; Hereditary breast and ovarian cancer syndrome (HBOC); Breast and ovarian cancer; Hereditary breast and ovarian cancer syndrome; Hereditary breast and/or ovarian cancer syndrome; BRCA1- and BRCA2-Associated Hereditary Breast and Ovarian Cancer. Identifiers: Orphanet 145, MedGen C0677776, MeSH D061325, MONDO:0003582. Disease mechanism: loss of function.

Submission:

Labcorp Genetics (formerly Invitae), Labcorp
Classification: Pathogenic for Hereditary breast ovarian cancer syndrome. Last evaluated: 2021-11-02. Review status: criteria provided, single submitter. Criteria: Invitae Variant Classification Sherloc (09022015). Collection method: clinical testing. Allele origin: germline.
Comment: This sequence change inserts a large fragment of DNA, likely a transposable element, in exon 11 of the BRCA2 gene (c.6475_6476ins?), causing a frameshift at codon 2159 (p.Gln2159fs). The exact size and sequence of the insertion cannot be determined by the current assay. However, the insertion is expected to result in an absent or disrupted protein product. This variant is not present in population databases (gnomAD no frequency). For these reasons, this variant has been classified as Pathogenic. Retrotransposon insertions including LINE1 (L1), Alu, and SVA (SINE-VNTR-Alu) have been reported to be disease-causing through disruption of either a coding region or splice site (PMID: 19763152, 20307669, 22406018) and loss-of-function variants in BRCA2 are known to be pathogenic (PMID: 20104584). This variant has not been reported in the literature in individuals affected with BRCA2-related conditions.

Literature cited by the submitters: PubMed 19763152; PubMed 20307669; PubMed 22406018; PubMed 20104584.